The following is an entry in ClinVar:

NM_000218.3(KCNQ1):c.1394-13179A>G

Genes: KCNQ1 (potassium voltage-gated channel subfamily Q member 1; plus strand), KCNQ1OT1 (KCNQ1 opposite strand/antisense transcript 1; minus strand). Cytogenetic location: 11p15.5.
Variant type: single nucleotide variant.
Coding change: c.1394-13179A>G on transcript NM_000218.3 (MANE Select); 13179 bases into the intron before coding-DNA position 1394, A replaced by G.
Molecular consequence: intron variant. On other transcripts: non-coding transcript variant (1).
Genome position (GRCh38, 1-based): chr11:2,648,782, A>G. VCF-style: chr11-2648782-A-G. GRCh37 (hg19) VCF-style: chr11-2670012-A-G.
Other names: c.1124-13179A>G (NM_001406837.1); c.1298-13179A>G (NM_001406836.1); c.854-13179A>G (NM_001406838.1); c.1013-13179A>G (NM_181798.2).
Identifiers: ClinVar variation 2641429 (VCV002641429.24), dbSNP rs79680256, ClinGen allele CA216161037.

ClinVar aggregate classification (germline): Likely benign (1 of 4 stars; one submission).

Allele frequency attached by ClinVar (database versions not stated): 1000 Genomes Project 0.00140; 1000 Genomes Project 30x 0.00156; gnomAD 0.00322; TOPMed 0.00326; gnomAD exomes 0.00385.
gnomAD v4.1: 1,458 of 398,456 alleles (0.37%); highest among the groups gnomAD compares: Non-Finnish European, 0.52%; 4 homozygotes.

Submission:

CeGaT Center for Human Genetics Tuebingen
Classification: Likely benign. Last evaluated: 2026-09-01. Review status: criteria provided, single submitter. Criteria: CeGaT Center For Human Genetics Tuebingen Variant Classification Criteria Version 2. Collection method: clinical testing. Allele origin: germline. Affected: yes. Observed: 22 variant alleles.
Comment: KCNQ1OT1: BS2